The following is an entry in ClinVar:

NM_000387.6(SLC25A20):c.49G>C (p.Gly17Arg)

Gene: SLC25A20 (solute carrier family 25 member 20; minus strand). Cytogenetic location: 3p21.31.
Variant type: single nucleotide variant.
Coding change: c.49G>C on transcript NM_000387.6 (MANE Select); coding-DNA position 49, G replaced by C.
Protein change: p.Gly17Arg; replaces glycine 17 with arginine.
Molecular consequence: missense variant.
Genome position (GRCh38, 1-based): chr3:48,898,746, C>G on the plus strand (G>C on the coding strand, the complement: SLC25A20 is on the minus strand). VCF-style: chr3-48898746-C-G. GRCh37 (hg19) VCF-style: chr3-48936179-C-G.
Other names: short protein forms G17R.
Identifiers: ClinVar variation 3366655 (VCV003366655.2).

ClinVar aggregate classification (germline): Conflicting classifications of pathogenicity. Review status: criteria provided, conflicting classifications (1 of 4 stars). 2 submissions from 2 submitters: Likely pathogenic (1); Uncertain significance (1). Last evaluated 2025-10-18.

Conditions:
Carnitine acylcarnitine translocase deficiency (CACTD). Identifiers: Orphanet 159, MedGen C0342791, MONDO:0008918, OMIM 212138.

Submissions (2):

Labcorp Genetics (formerly Invitae), Labcorp
Classification: Likely pathogenic for Carnitine acylcarnitine translocase deficiency. Last evaluated: 2025-10-18. Review status: criteria provided, single submitter. Criteria: Invitae Variant Classification Sherloc (09022015). Collection method: clinical testing. Allele origin: germline.
Comment: This sequence change replaces glycine, which is neutral and non-polar, with arginine, which is basic and polar, at codon 17 of the SLC25A20 protein (p.Gly17Arg). This variant is not present in population databases (gnomAD no frequency). This missense change has been observed in individual(s) with carnitine-acylcarnitine translocase deficiency (PMID: 38565514). In at least one individual the data is consistent with being in trans (on the opposite chromosome) from a pathogenic variant. ClinVar contains an entry for this variant (Variation ID: 3366655). Invitae Evidence Modeling of protein sequence and biophysical properties (such as structural, functional, and spatial information, amino acid conservation, physicochemical variation, residue mobility, and thermodynamic stability) indicates that this missense variant is expected to disrupt SLC25A20 protein function with a positive predictive value of 80%. This variant disrupts the p.Gly17 amino acid residue in SLC25A20. Other variant(s) that disrupt this residue have been observed in individuals with SLC25A20-related conditions (PMID: 33634872), which suggests that this may be a clinically significant amino acid residue. In summary, the currently available evidence indicates that the variant is pathogenic, but additional data are needed to prove that conclusively. Therefore, this variant has been classified as Likely Pathogenic.

Women's Health and Genetics/Laboratory Corporation of America, LabCorp
Classification: Uncertain significance. Last evaluated: 2024-08-22. Review status: criteria provided, single submitter. Criteria: LabCorp Variant Classification Summary - May 2015. Collection method: clinical testing. Allele origin: germline.
Comment: Variant summary: SLC25A20 c.49G>C (p.Gly17Arg) results in a non-conservative amino acid change in the encoded protein sequence. Five of five in-silico tools predict a damaging effect of the variant on protein function. The variant was absent in 238516 control chromosomes (gnomAD). The available data on variant occurrences in the general population are insufficient to allow any conclusion about variant significance. c.49G>C has been reported in the literature in individuals affected with Carnitine-Acylcarnitine Translocase Deficiency or inherited metabolic disorder (Zhang_2024a, Zhang_2024b). These data do not allow any conclusion about variant significance. To our knowledge, no experimental evidence demonstrating an impact on protein function has been reported. The following publications have been ascertained in the context of this evaluation (PMID: 38269462, 38565514). No submitters have cited clinical-significance assessments for this variant to ClinVar. Based on the evidence outlined above, the variant was classified as uncertain significance.

Literature cited by the submitters: PubMed 38565514 (cited by Labcorp Genetics (formerly Invitae), Labcorp and Women's Health and Genetics/Laboratory Corporation of America, LabCorp); PubMed 33634872 (cited by Labcorp Genetics (formerly Invitae), Labcorp); PubMed 38269462 (cited by Women's Health and Genetics/Laboratory Corporation of America, LabCorp).